The following is an entry in ClinVar:

NM_030665.4(RAI1):c.4401C>T (p.Pro1467=)

Gene: RAI1 (retinoic acid induced 1; plus strand). Cytogenetic location: 17p11.2.
Variant type: single nucleotide variant.
Coding change: c.4401C>T on transcript NM_030665.4 (MANE Select); coding-DNA position 4401, C replaced by T.
Protein change: p.Pro1467=; no amino-acid change (proline 1467 retained).
Molecular consequence: synonymous variant.
Genome position (GRCh38, 1-based): chr17:17,797,349, C>T. VCF-style: chr17-17797349-C-T. GRCh37 (hg19) VCF-style: chr17-17700663-C-T.
Other names: c.4401C>T (NM_030665.3).
Identifiers: ClinVar variation 2111375 (VCV002111375.5), dbSNP rs1374084084, ClinGen allele CA498425164.
Genomic context (GRCh38, chr17:17,797,349, plus strand): 5'-GAGCCGGAAAGGCCGGGCAGGGGCCCATGGACTCTCCAAAGGCCCGCTGGAGAAGCGGCC[C>T]TATCTTGGCCCGGCTCTGCTCCTGACTCCCCGAGACAGGGCCAGTGGCACACAAGGGGCC-3'
Protein context (NP_109590.3, residues 1457-1477): GLSKGPLEKR[Pro1467=]YLGPALLLTP

ClinVar aggregate classification (germline): Likely benign. Review status: criteria provided, multiple submitters, no conflicts (2 of 4 stars). 2 submissions from 2 submitters: Likely benign (2). Last evaluated 2025-06-05.

Conditions:
RAI1-related disorder. Also called: RAI1-related condition.

Allele frequency attached by ClinVar (database versions not stated): TOPMed below 0.00001.
gnomAD v4.1: 1 of 1,612,342 alleles (0.000062%); highest among the groups gnomAD compares: Non-Finnish European, 0.000085%; no homozygotes.

Submissions (2):

PreventionGenetics, part of Exact Sciences
Classification: Likely benign for RAI1-related condition. Last evaluated: 2025-06-05. Review status: criteria provided, single submitter. Criteria: ACMG Guidelines, 2015. Collection method: clinical testing. Allele origin: germline.
Comment: This variant is classified as likely benign based on ACMG/AMP sequence variant interpretation guidelines (Richards et al. 2015 PMID: 25741868, with internal and published modifications).

Labcorp Genetics (formerly Invitae), Labcorp
Classification: Likely benign. Last evaluated: 2023-10-13. Review status: criteria provided, single submitter. Criteria: Invitae Variant Classification Sherloc (09022015). Collection method: clinical testing. Allele origin: germline.